The following is an entry in ClinVar:

NM_001005361.3(DNM2):c.596G>A (p.Arg199Gln)

Gene: DNM2 (dynamin 2; plus strand). Cytogenetic location: 19p13.2.
Variant type: single nucleotide variant.
Coding change: c.596G>A on transcript NM_001005361.3 (MANE Select); coding-DNA position 596, G replaced by A.
Protein change: p.Arg199Gln; replaces arginine 199 with glutamine.
Molecular consequence: missense variant.
Genome position (GRCh38, 1-based): chr19:10,777,124, G>A. VCF-style: chr19-10777124-G-A. GRCh37 (hg19) VCF-style: chr19-10887800-G-A.
Other names: c.596G>A, p.Arg199Gln (NM_001005360.3, NM_001005362.3, NM_001190716.2 and 1 more transcripts); short protein forms R199Q.
Identifiers: ClinVar variation 575183 (VCV000575183.9), dbSNP rs1568294706, ClinGen allele CA404043219.

ClinVar aggregate classification (germline): Uncertain significance. Review status: criteria provided, multiple submitters, no conflicts (2 of 4 stars). 2 submissions from 2 submitters: Uncertain significance (2). Last evaluated 2021-08-12.

Conditions:
Inborn genetic diseases. Identifiers: MedGen C0950123, MeSH D030342.
Charcot-Marie-Tooth disease dominant intermediate B (CMTDIB). Also called: CHARCOT-MARIE-TOOTH NEUROPATHY, DOMINANT INTERMEDIATE B; Charcot-Marie-Tooth disease dominant intermediate 1; CMT DI1; Charcot-Marie-Tooth disease dominant intermediate I. Identifiers: Orphanet 100044, Orphanet 228179, MedGen C1847902, MONDO:0011674, OMIM 606482.

Allele frequency attached by ClinVar (database versions not stated): gnomAD exomes below 0.00001.
gnomAD v4.1: 2 of 1,614,164 alleles (0.00012%); highest among the groups gnomAD compares: Non-Finnish European, 0.00017%; no homozygotes.

Submissions (2):

Ambry Genetics
Classification: Uncertain significance for Inborn genetic diseases. Last evaluated: 2021-08-12. Review status: criteria provided, single submitter. Criteria: Ambry Variant Classification Scheme 2023. Collection method: clinical testing. Allele origin: germline.
Comment: The p.R199Q variant (also known as c.596G>A), located in coding exon 5 of the DNM2 gene, results from a G to A substitution at nucleotide position 596. The arginine at codon 199 is replaced by glutamine, an amino acid with highly similar properties. This amino acid position is highly conserved in available vertebrate species. In addition, this alteration is predicted to be deleterious by in silico analysis. Since supporting evidence is limited at this time, the clinical significance of this alteration remains unclear.

Labcorp Genetics (formerly Invitae), Labcorp
Classification: Uncertain significance for Charcot-Marie-Tooth disease dominant intermediate B. Last evaluated: 2018-05-20. Review status: criteria provided, single submitter. Criteria: Invitae Variant Classification Sherloc (09022015). Collection method: clinical testing. Allele origin: germline.
Comment: In summary, the available evidence is currently insufficient to determine the role of this variant in disease. Therefore, it has been classified as a Variant of Uncertain Significance. Algorithms developed to predict the effect of missense changes on protein structure and function do not agree on the potential impact of this missense change (SIFT: "Deleterious"; PolyPhen-2: "Probably Damaging"; Align-GVGD: "Class C0"). This variant has not been reported in the literature in individuals with DNM2-related disease. This variant is not present in population databases (ExAC no frequency). This sequence change replaces arginine with glutamine at codon 199 of the DNM2 protein (p.Arg199Gln). The arginine residue is highly conserved and there is a small physicochemical difference between arginine and glutamine.